The following is an entry in ClinVar:

NM_000186.4(CFH):c.2548G>A (p.Glu850Lys)

Gene: CFH (complement factor H; plus strand). Cytogenetic location: 1q31.3.
Variant type: single nucleotide variant.
Coding change: c.2548G>A on transcript NM_000186.4 (MANE Select); coding-DNA position 2548, G replaced by A.
Protein change: p.Glu850Lys; replaces glutamic acid 850 with lysine.
Molecular consequence: missense variant.
Genome position (GRCh38, 1-based): chr1:196,736,958, G>A. VCF-style: chr1-196736958-G-A. GRCh37 (hg19) VCF-style: chr1-196706088-G-A.
Other names: short protein forms E850K.
Identifiers: ClinVar variation 4291487 (VCV004291487.1).

ClinVar aggregate classification (germline): Uncertain significance (1 of 4 stars; one submission).

Conditions:
Atypical hemolytic-uremic syndrome. Identifiers: Orphanet 2134, MedGen C2931788, MONDO:0016244.

gnomAD v4.1: 1 of 1,611,930 alleles (0.000062%); highest among the groups gnomAD compares: Non-Finnish European, 0.000085%; no homozygotes.

Submission:

Genomenon, Inc
Classification: Uncertain significance for Atypical hemolytic-uremic syndrome. Last evaluated: 2025-10-02. Review status: criteria provided, single submitter. Criteria: Genomenon Sequence Variant Interpretation Standards - Updated. Collection method: curation. Allele origin: germline. Affected: yes.
Comment: CFH p.Glu850Lys (c.2548G>A) is a missense variant that changes the amino acid at residue 850 from Glutamic acid to Lysine. This variant has been observed in at least one proband affected with atypical hemolytic-uremic syndrome (PMID:12960213). It is absent or not present at a significant frequency in gnomAD. In conclusion, we classify CFH p.Glu850Lys (c.2548G>A) as a variant of uncertain significance.

Literature cited by the submitters: PubMed 12960213.